The following is an entry in ClinVar:

ClinVar aggregate classification (germline): Uncertain significance. Review status: criteria provided, multiple submitters, no conflicts (2 of 4 stars). 5 submissions from 5 submitters: Uncertain significance (4). 1 of the submissions does not count toward it. Last evaluated 2024-02-03.

Conditions:
Inborn genetic diseases. Identifiers: MedGen C0950123, MeSH D030342.
Neuronal ceroid lipofuscinosis 5 (CLN5). Also called: CEROID LIPOFUSCINOSIS, NEURONAL, 5, VARIABLE AGE AT ONSET; CLN5-Related Neuronal Ceroid-Lipofuscinosis; Neuronal ceroid lipofuscinosis Finnish variant; NEURONAL CEROID LIPOFUSCINOSIS, LATE INFANTILE, FINNISH VARIANT. Identifiers: Orphanet 168491, Orphanet 228360, MedGen C1850442, MONDO:0009745, OMIM 256731.
Neuronal ceroid lipofuscinosis. Also called: Neuronal Ceroid Lipofuscinoses. Identifiers: Orphanet 216, Orphanet 79263, MedGen C0027877, MONDO:0016295. Disease mechanism: loss of function.

Allele frequency attached by ClinVar (database versions not stated): gnomAD 0.00002; TOPMed 0.00003; gnomAD exomes 0.00004.

Submissions (5):

GeneDx
Classification: Uncertain significance. Last evaluated: 2024-02-03. Review status: criteria provided, single submitter. Criteria: GeneDx Variant Classification Process June 2021. Collection method: clinical testing. Allele origin: germline. Affected: yes.
Comment: In silico analysis supports that this missense variant does not alter protein structure/function; Has not been previously published as pathogenic or benign to our knowledge

Ambry Genetics
Classification: Uncertain significance for Inborn genetic diseases. Last evaluated: 2024-01-23. Review status: criteria provided, single submitter. Criteria: Ambry Variant Classification Scheme 2023. Collection method: clinical testing. Allele origin: germline.

Labcorp Genetics (formerly Invitae), Labcorp
Classification: Uncertain significance for Neuronal ceroid lipofuscinosis. Last evaluated: 2022-08-31. Review status: criteria provided, single submitter. Criteria: Invitae Variant Classification Sherloc (09022015). Collection method: clinical testing. Allele origin: germline.
Comment: This sequence change replaces cysteine, which is neutral and slightly polar, with tyrosine, which is neutral and polar, at codon 76 of the CLN5 protein (p.Cys76Tyr). This variant is present in population databases (rs796052344, gnomAD 0.02%). This variant has not been reported in the literature in individuals affected with CLN5-related conditions. ClinVar contains an entry for this variant (Variation ID: 205128). Algorithms developed to predict the effect of missense changes on protein structure and function (SIFT, PolyPhen-2, Align-GVGD) all suggest that this variant is likely to be tolerated. In summary, the available evidence is currently insufficient to determine the role of this variant in disease. Therefore, it has been classified as a Variant of Uncertain Significance.

Genome-Nilou Lab
Classification: Uncertain significance for Neuronal ceroid lipofuscinosis 5. Last evaluated: 2021-09-05. Review status: criteria provided, single submitter. Criteria: ACMG Guidelines, 2015. Collection method: clinical testing. Allele origin: germline. Affected: no.

Natera, Inc.
Classification: Uncertain significance for Neuronal ceroid lipofuscinosis. Last evaluated: 2020-10-21. Review status: no assertion criteria provided. Collection method: clinical testing. Allele origin: germline. Not counted in ClinVar's aggregate classification.

NM_006493.4(CLN5):c.80G>A (p.Cys27Tyr)

Genes: CLN5 (CLN5 lysosomal BMP synthase; plus strand), LOC130009913 (ATAC-STARR-seq lymphoblastoid silent region 5414; plus strand). Cytogenetic location: 13q22.3.
Variant type: single nucleotide variant.
Coding change: c.80G>A on transcript NM_006493.4 (MANE Select); coding-DNA position 80, G replaced by A.
Protein change: p.Cys27Tyr; replaces cysteine 27 with tyrosine.
Molecular consequence: missense variant.
Genome position (GRCh38, 1-based): chr13:76,992,178, G>A. VCF-style: chr13-76992178-G-A. GRCh37 (hg19) VCF-style: chr13-77566313-G-A.
Other names: p.C76Y:TGC>TAC; c.227G>A (LRG_692t1); c.80G>A, p.Cys27Tyr (NM_001366624.2); short protein forms C27Y.
Identifiers: ClinVar variation 205128 (VCV000205128.13), dbSNP rs796052344, ClinGen allele CA313870.